The following is an entry in ClinVar:

NM_058216.3(RAD51C):c.728del (p.Gly243fs)

Gene: RAD51C (RAD51 paralog C; plus strand). Cytogenetic location: 17q22.
Variant type: Deletion.
Coding change: c.728del on transcript NM_058216.3 (MANE Select); coding-DNA position 728, one base deleted (G; older notation c.728delG).
Protein change: p.Gly243fs; shifts the reading frame from glycine 243.
Molecular consequence: frameshift variant. On other transcripts: non-coding transcript variant (1).
Genome position (GRCh38, 1-based): chr17:58,709,881, G deleted; the last of 2 consecutive G bases (chr17:58,709,880-58,709,881); deleting either gives the same sequence. VCF-style (leftmost placement, unchanged base first): chr17-58709879-TG-T. GRCh37 (hg19) VCF-style: chr17-56787240-TG-T.
Other names: short protein forms G243fs.
Identifiers: ClinVar variation 4736530 (VCV004736530.1).
Genomic context (GRCh38, chr17:58,709,879, plus strand): 5'-TTTTTCGTAACAAATCTAATATTATCTCTTCTGTATTTAGGTTCGACTAGTGATAGTGGA[TG>T]GTATTGCTTTTCCATTTCGTCATGACCTAGATGACCTGTCTCTTCGTACTCGGTTATTAA-3'

ClinVar aggregate classification (germline): Pathogenic (1 of 4 stars; one submission).

Conditions:
Fanconi anemia complementation group O. Also called: RAD51C-Related Fanconi Anemia. Identifiers: Orphanet 84, MedGen C3150653, MONDO:0013248, OMIM 613390.

Submission:

Labcorp Genetics (formerly Invitae), Labcorp
Classification: Pathogenic for Fanconi anemia complementation group O. Last evaluated: 2026-02-01. Review status: criteria provided, single submitter. Criteria: Invitae Variant Classification Sherloc (09022015). Collection method: clinical testing. Allele origin: germline.
Comment: This sequence change creates a premature translational stop signal (p.Gly243Valfs*10) in the RAD51C gene. It is expected to result in an absent or disrupted protein product. Loss-of-function variants in RAD51C are known to be pathogenic (PMID: 20400964, 21990120, 24800917, 29278735). This variant is not present in population databases (gnomAD no frequency). This variant has not been reported in the literature in individuals affected with RAD51C-related conditions. For these reasons, this variant has been classified as Pathogenic.

Literature cited by the submitters: PubMed 20400964; PubMed 21990120; PubMed 24800917; PubMed 29278735.